The following is an entry in ClinVar:

NM_001903.5(CTNNA1):c.1871A>T (p.Asp624Val)

Gene: CTNNA1 (catenin alpha 1; plus strand). Cytogenetic location: 5q31.2.
Variant type: single nucleotide variant.
Coding change: c.1871A>T on transcript NM_001903.5 (MANE Select); coding-DNA position 1871, A replaced by T.
Protein change: p.Asp624Val; replaces aspartic acid 624 with valine.
Molecular consequence: missense variant.
Genome position (GRCh38, 1-based): chr5:138,925,379, A>T. VCF-style: chr5-138925379-A-T. GRCh37 (hg19) VCF-style: chr5-138261068-A-T.
Other names: c.1871A>T, p.Asp624Val (NM_001290307.3, NM_001323982.2, NM_001323983.1 and 2 more transcripts); c.1562A>T, p.Asp521Val (NM_001290309.3); c.1502A>T, p.Asp501Val (NM_001290310.3); c.761A>T, p.Asp254Val (NM_001290312.1, NM_001323987.1, NM_001323988.1 and 17 more transcripts); c.1778A>T, p.Asp593Val (NM_001323986.2); c.422A>T, p.Asp141Val (NM_001324008.1, NM_001324009.1, NM_001324010.1 and 2 more transcripts); c.668A>T, p.Asp223Val (NM_001324011.1); c.518A>T, p.Asp173Val (NM_001324012.1, NM_001324013.1); short protein forms D141V, D173V, D223V, D254V, D501V, D521V, D593V, D624V.
Identifiers: ClinVar variation 1717158 (VCV001717158.5), dbSNP rs2533736780, ClinGen allele CA361132387.
Genomic context (GRCh38, chr5:138,925,379, plus strand): 5'-AGCCCATGGATGAGAATGAGTTTATCGATGCTTCCCGCCTGGTATATGATGGCATCCGGG[A>T]CATCAGGAAAGCAGTGCTGATGATAAGGGTGAGTAACTGCATTTCAGACGTCTTAACAGC-3'
Protein context (NP_001894.2, residues 614-634): ASRLVYDGIR[Asp624Val]IRKAVLMIRT

ClinVar aggregate classification (germline): Uncertain significance (1 of 4 stars; one submission).

Submission:

Labcorp Genetics (formerly Invitae), Labcorp
Classification: Uncertain significance. Last evaluated: 2025-12-16. Review status: criteria provided, single submitter. Criteria: Invitae Variant Classification Sherloc (09022015). Collection method: clinical testing. Allele origin: germline.
Comment: This sequence change replaces aspartic acid, which is acidic and polar, with valine, which is neutral and non-polar, at codon 624 of the CTNNA1 protein (p.Asp624Val). This variant is not present in population databases (gnomAD no frequency). This variant has not been reported in the literature in individuals affected with CTNNA1-related conditions. ClinVar contains an entry for this variant (Variation ID: 1717158). Invitae Evidence Modeling of protein sequence and biophysical properties (such as structural, functional, and spatial information, amino acid conservation, physicochemical variation, residue mobility, and thermodynamic stability) indicates that this missense variant is expected to disrupt CTNNA1 protein function with a positive predictive value of 80%. In summary, the available evidence is currently insufficient to determine the role of this variant in disease. Therefore, it has been classified as a Variant of Uncertain Significance.